The following is an entry in ClinVar:

ClinVar aggregate classification (germline): Uncertain significance. Review status: criteria provided, multiple submitters, no conflicts (2 of 4 stars). 3 submissions from 3 submitters: Uncertain significance (3). Last evaluated 2026-01-07.

Conditions:
Inborn genetic diseases. Identifiers: MedGen C0950123, MeSH D030342.

gnomAD v4.1: 2 of 1,612,532 alleles (0.00012%); highest among the groups gnomAD compares: Non-Finnish European, 0.00017%; no homozygotes.

Submissions (3):

Labcorp Genetics (formerly Invitae), Labcorp
Classification: Uncertain significance. Last evaluated: 2026-01-07. Review status: criteria provided, single submitter. Criteria: Invitae Variant Classification Sherloc (09022015). Collection method: clinical testing. Allele origin: germline.
Comment: This sequence change replaces isoleucine, which is neutral and non-polar, with methionine, which is neutral and non-polar, at codon 127 of the SMAD2 protein (p.Ile127Met). This variant is present in population databases (rs746965273, gnomAD 0.0009%). This variant has not been reported in the literature in individuals affected with SMAD2-related conditions. ClinVar contains an entry for this variant (Variation ID: 3342463). Invitae Evidence Modeling of protein sequence and biophysical properties (such as structural, functional, and spatial information, amino acid conservation, physicochemical variation, residue mobility, and thermodynamic stability) indicates that this missense variant is expected to disrupt SMAD2 protein function with a positive predictive value of 80%. In summary, the available evidence is currently insufficient to determine the role of this variant in disease. Therefore, it has been classified as a Variant of Uncertain Significance.

Ambry Genetics
Classification: Uncertain significance for Inborn genetic diseases. Last evaluated: 2025-08-19. Review status: criteria provided, single submitter. Criteria: Ambry Variant Classification Scheme 2023. Collection method: clinical testing. Allele origin: germline.
Comment: The p.I127M variant (also known as c.381A>G), located in coding exon 3 of the SMAD2 gene, results from an A to G substitution at nucleotide position 381. The isoleucine at codon 127 is replaced by methionine, an amino acid with highly similar properties. This amino acid position is conserved. In addition, the in silico prediction for this alteration is inconclusive. Based on the available evidence, the clinical significance of this variant remains unclear.

GeneDx
Classification: Uncertain significance. Last evaluated: 2024-02-27. Review status: criteria provided, single submitter. Criteria: GeneDx Variant Classification Process June 2021. Collection method: clinical testing. Allele origin: germline. Affected: yes.
Comment: Has not been previously published as pathogenic or benign to our knowledge; Not observed at significant frequency in large population cohorts (gnomAD); In silico analysis supports that this missense variant does not alter protein structure/function

NM_005901.6(SMAD2):c.381A>G (p.Ile127Met)

Gene: SMAD2 (SMAD family member 2; minus strand). Cytogenetic location: 18q21.1.
Variant type: single nucleotide variant.
Coding change: c.381A>G on transcript NM_005901.6 (MANE Select); coding-DNA position 381, A replaced by G.
Protein change: p.Ile127Met; replaces isoleucine 127 with methionine.
Molecular consequence: missense variant.
Genome position (GRCh38, 1-based): chr18:47,869,382, T>C on the plus strand (A>G on the coding strand, the complement: SMAD2 is on the minus strand). VCF-style: chr18-47869382-T-C. GRCh37 (hg19) VCF-style: chr18-45395753-T-C.
Other names: c.381A>G, p.Ile127Met (NM_001003652.4); c.291A>G, p.Ile97Met (NM_001135937.3); c.381A>G (NM_005901.4); short protein forms I127M, I97M.
Identifiers: ClinVar variation 3342463 (VCV003342463.3).